The following is an entry in ClinVar:

NM_001031689.3(PLAA):c.2295T>G (p.Ser765=)

Gene: PLAA (phospholipase A2 activating protein; minus strand). Cytogenetic location: 9p21.2.
Variant type: single nucleotide variant.
Coding change: c.2295T>G on transcript NM_001031689.3 (MANE Select); coding-DNA position 2295, T replaced by G.
Protein change: p.Ser765=; no amino-acid change (serine 765 retained).
Molecular consequence: synonymous variant.
Genome position (GRCh38, 1-based): chr9:26,905,604, A>C on the plus strand (T>G on the coding strand, the complement: PLAA is on the minus strand). VCF-style: chr9-26905604-A-C. GRCh37 (hg19) VCF-style: chr9-26905602-A-C.
Other names: c.2226T>G, p.Ser742= (NM_001321546.2).
Identifiers: ClinVar variation 1588427 (VCV001588427.23), dbSNP rs142598453, ClinGen allele CA5014149.

ClinVar aggregate classification (germline): Likely benign. Review status: criteria provided, multiple submitters, no conflicts (2 of 4 stars). 3 submissions from 3 submitters: Likely benign (3). Last evaluated 2026-01-15.

Allele frequency attached by ClinVar (database versions not stated): ExAC 0.00024; gnomAD exomes 0.00026 and 0.00028; gnomAD 0.00027 and 0.00029; ESP Exome Variant Server 0.00031; TOPMed 0.00031.

Submissions (3):

Labcorp Genetics (formerly Invitae), Labcorp
Classification: Likely benign. Last evaluated: 2026-01-15. Review status: criteria provided, single submitter. Criteria: Invitae Variant Classification Sherloc (09022015). Collection method: clinical testing. Allele origin: germline.

CeGaT Center for Human Genetics Tuebingen
Classification: Likely benign. Last evaluated: 2025-06-01. Review status: criteria provided, single submitter. Criteria: CeGaT Center For Human Genetics Tuebingen Variant Classification Criteria Version 2. Collection method: clinical testing. Allele origin: germline. Affected: yes. Observed: 3 variant alleles.
Comment: PLAA: BP4, BP7

Blueprint Genetics
Classification: Likely benign. Last evaluated: 2024-11-15. Review status: criteria provided, single submitter. Criteria: ACMG Guidelines, 2015. Collection method: clinical testing. Allele origin: germline.